The following is an entry in ClinVar:

ClinVar aggregate classification (germline): Likely benign. Review status: criteria provided, single submitter (1 of 4 stars). 2 submissions from 2 submitters: Likely benign (1). 1 of the submissions does not count toward it. Last evaluated 2023-09-04.

Conditions:
SPR-related disorder. Also called: SPR-related condition.
Dystonic disorder. Also called: Dystonia. Identifiers: MedGen C0013421, MONDO:0003441, HP:0001332.

gnomAD v4.1: 1 of 1,499,462 alleles (0.000067%); no homozygotes.

Submissions (2):

Labcorp Genetics (formerly Invitae), Labcorp
Classification: Likely benign for Dystonic disorder. Last evaluated: 2023-09-04. Review status: criteria provided, single submitter. Criteria: Invitae Variant Classification Sherloc (09022015). Collection method: clinical testing. Allele origin: germline.

PreventionGenetics, part of Exact Sciences
Classification: Likely benign for SPR-related condition. Last evaluated: 2019-03-22. Review status: no assertion criteria provided. Collection method: clinical testing. Allele origin: germline. Not counted in ClinVar's aggregate classification.
Comment: This variant is classified as likely benign based on ACMG/AMP sequence variant interpretation guidelines (Richards et al. 2015 PMID: 25741868, with internal and published modifications).

NM_003124.5(SPR):c.249G>C (p.Leu83=)

Gene: SPR (sepiapterin reductase; plus strand). Cytogenetic location: 2p13.2.
Variant type: single nucleotide variant.
Coding change: c.249G>C on transcript NM_003124.5 (MANE Select); coding-DNA position 249, G replaced by C.
Protein change: p.Leu83=; no amino-acid change (leucine 83 retained).
Molecular consequence: synonymous variant.
Genome position (GRCh38, 1-based): chr2:72,887,681, G>C. VCF-style: chr2-72887681-G-C. GRCh37 (hg19) VCF-style: chr2-73114810-G-C.
Other names: c.249G>C (NM_003124.4).
Identifiers: ClinVar variation 2867922 (VCV002867922.5), dbSNP rs2528313866, ClinGen allele CA426703315.
Genomic context (GRCh38, chr2:72,887,681, plus strand): 5'-GGTGCGGGTGCCCGCCGACCTGGGCGCCGAGGCCGGCTTGCAGCAGCTGCTCGGCGCCCT[G>C]CGCGAGCTCCCCCGGCCCAAGGGGCTGCAGCGACTGCTGCTTATCAACAACGCGGGTAAG-3'
Protein context (NP_003115.1, residues 73-93): EAGLQQLLGA[Leu83=]RELPRPKGLQ